The following is an entry in ClinVar:

ClinVar aggregate classification (germline): Uncertain significance. Review status: criteria provided, multiple submitters, no conflicts (2 of 4 stars). 2 submissions from 2 submitters: Uncertain significance (2). Last evaluated 2024-11-09.

Conditions:
Hereditary cancer-predisposing syndrome. Also called: Neoplastic Syndromes, Hereditary; Hereditary Cancer Syndrome; Tumor predisposition; Hereditary neoplastic syndrome. Identifiers: Orphanet 140162, MedGen C0027672, MeSH D009386, MONDO:0015356.
Renal cell carcinoma. Identifiers: Orphanet 217071, MedGen C0007134, MeSH D002292, MONDO:0005086, HP:0005584.

Submissions (2):

Ambry Genetics
Classification: Uncertain significance for Hereditary cancer-predisposing syndrome. Last evaluated: 2024-11-09. Review status: criteria provided, single submitter. Criteria: Ambry Variant Classification Scheme 2023. Collection method: clinical testing. Allele origin: germline.
Comment: The p.C385S variant (also known as c.1153T>A), located in coding exon 1 of the MET gene, results from a T to A substitution at nucleotide position 1153. The cysteine at codon 385 is replaced by serine, an amino acid with dissimilar properties. This amino acid position is well conserved in available vertebrate species. In addition, this alteration is predicted to be tolerated by in silico analysis. Based on the available evidence, the clinical significance of this variant remains unclear.

Labcorp Genetics (formerly Invitae), Labcorp
Classification: Uncertain significance for Renal cell carcinoma. Last evaluated: 2024-10-29. Review status: criteria provided, single submitter. Criteria: Invitae Variant Classification Sherloc (09022015). Collection method: clinical testing. Allele origin: germline.
Comment: This sequence change replaces cysteine, which is neutral and slightly polar, with serine, which is neutral and polar, at codon 385 of the MET protein (p.Cys385Ser). This variant is not present in population databases (gnomAD no frequency). This variant has not been reported in the literature in individuals affected with MET-related conditions. ClinVar contains an entry for this variant (Variation ID: 574843). Invitae Evidence Modeling of protein sequence and biophysical properties (such as structural, functional, and spatial information, amino acid conservation, physicochemical variation, residue mobility, and thermodynamic stability) indicates that this missense variant is not expected to disrupt MET protein function with a negative predictive value of 80%. In summary, the available evidence is currently insufficient to determine the role of this variant in disease. Therefore, it has been classified as a Variant of Uncertain Significance.

NM_000245.4(MET):c.1153T>A (p.Cys385Ser)

Gene: MET (MET proto-oncogene, receptor tyrosine kinase; plus strand). Cytogenetic location: 7q31.2.
Variant type: single nucleotide variant.
Coding change: c.1153T>A on transcript NM_000245.4 (MANE Select); coding-DNA position 1153, T replaced by A.
Protein change: p.Cys385Ser; replaces cysteine 385 with serine.
Molecular consequence: missense variant. On other transcripts: intron variant (1).
Genome position (GRCh38, 1-based): chr7:116,700,237, T>A. VCF-style: chr7-116700237-T-A. GRCh37 (hg19) VCF-style: chr7-116340291-T-A.
Other names: c.1153T>A, p.Cys385Ser (NM_001127500.3, NM_001324401.3); c.-91+27660T>A (NM_001324402.2); short protein forms C385S.
Identifiers: ClinVar variation 574843 (VCV000574843.11), dbSNP rs1562884601, ClinGen allele CA368970657.